The following is an entry in ClinVar:

ClinVar aggregate classification (germline): Uncertain significance. Review status: criteria provided, multiple submitters, no conflicts (2 of 4 stars). 2 submissions from 2 submitters: Uncertain significance (2). Last evaluated 2025-02-13.

Allele frequency attached by ClinVar (database versions not stated): gnomAD 0.00001; TOPMed 0.00001; gnomAD exomes 0.00006; ExAC 0.00007.
gnomAD v4.1: 48 of 1,613,916 alleles (0.003%); highest among the groups gnomAD compares: South Asian, 0.051%; 1 homozygote.

Submissions (2):

Labcorp Genetics (formerly Invitae), Labcorp
Classification: Uncertain significance. Last evaluated: 2025-02-13. Review status: criteria provided, single submitter. Criteria: Invitae Variant Classification Sherloc (09022015). Collection method: clinical testing. Allele origin: germline.
Comment: This sequence change replaces valine, which is neutral and non-polar, with aspartic acid, which is acidic and polar, at codon 781 of the MYO6 protein (p.Val781Asp). This variant is present in population databases (rs750880162, gnomAD 0.05%). This variant has not been reported in the literature in individuals affected with MYO6-related conditions. ClinVar contains an entry for this variant (Variation ID: 1512329). Invitae Evidence Modeling of protein sequence and biophysical properties (such as structural, functional, and spatial information, amino acid conservation, physicochemical variation, residue mobility, and thermodynamic stability) indicates that this missense variant is not expected to disrupt MYO6 protein function with a negative predictive value of 80%. In summary, the available evidence is currently insufficient to determine the role of this variant in disease. Therefore, it has been classified as a Variant of Uncertain Significance.

GeneDx
Classification: Uncertain significance. Last evaluated: 2024-01-25. Review status: criteria provided, single submitter. Criteria: GeneDx Variant Classification Process June 2021. Collection method: clinical testing. Allele origin: germline. Affected: yes.
Comment: In silico analysis supports that this missense variant has a deleterious effect on protein structure/function; Has not been previously published as pathogenic or benign to our knowledge

NM_004999.4(MYO6):c.2342T>A (p.Val781Asp)

Gene: MYO6 (myosin VI; plus strand). Cytogenetic location: 6q14.1.
Variant type: single nucleotide variant.
Coding change: c.2342T>A on transcript NM_004999.4 (MANE Select); coding-DNA position 2342, T replaced by A.
Protein change: p.Val781Asp; replaces valine 781 with aspartic acid.
Molecular consequence: missense variant. On other transcripts: non-coding transcript variant (1).
Genome position (GRCh38, 1-based): chr6:75,881,744, T>A. VCF-style: chr6-75881744-T-A. GRCh37 (hg19) VCF-style: chr6-76591461-T-A.
Other names: c.2342T>A, p.Val781Asp (NM_001300899.2, NM_001368136.1, NM_001368137.1 and 2 more transcripts); c.2327T>A, p.Val776Asp (NM_001368138.1); c.2342T>A (NM_004999.3); short protein forms V776D, V781D.
Identifiers: ClinVar variation 1512329 (VCV001512329.7), dbSNP rs750880162, ClinGen allele CA3897353.
Genomic context (GRCh38, chr6:75,881,744, plus strand): 5'-CCTAGTTTGCAGAATTTGATCAGATCATGAAGTCTGACCCTGACCACTTAGCAGAGTTGG[T>A]TAAAAGAGTCAATCACTGGCTCACATGCAGTCGCTGGAAGAAAGTTCAGTGGTGCTCACT-3'
Protein context (NP_004990.3, residues 771-791): KSDPDHLAEL[Val781Asp]KRVNHWLTCS